The following is an entry in ClinVar:

ClinVar aggregate classification (germline): Pathogenic/Likely pathogenic. Review status: criteria provided, multiple submitters, no conflicts (2 of 4 stars). 2 submissions from 2 submitters: Pathogenic (1); Likely pathogenic (1). Last evaluated 2024-05-09.

Conditions:
Developmental and epileptic encephalopathy 94 (DEE94). Also called: Epileptic encephalopathy, childhood-onset; CHD2-Related Neurodevelopmental Disorders. Identifiers: Orphanet 1942, Orphanet 2382, MedGen C3809278, MONDO:0014150, OMIM 615369.

Submissions (2):

Department of Clinical Genetics, Copenhagen University Hospital, Rigshospitalet
Classification: Likely pathogenic for Developmental and epileptic encephalopathy 94. Last evaluated: 2024-05-09. Review status: criteria provided, single submitter. Criteria: ACMG Guidelines, 2015. Collection method: clinical testing. Allele origin: germline.
Comment: PVS1_VStr, PM2_Sup

Labcorp Genetics (formerly Invitae), Labcorp
Classification: Pathogenic for Developmental and epileptic encephalopathy 94. Last evaluated: 2021-12-24. Review status: criteria provided, single submitter. Criteria: Invitae Variant Classification Sherloc (09022015). Collection method: clinical testing. Allele origin: germline.
Comment: For these reasons, this variant has been classified as Pathogenic. Algorithms developed to predict the effect of sequence changes on RNA splicing suggest that this variant may create or strengthen a splice site. This variant has not been reported in the literature in individuals affected with CHD2-related conditions. This variant is not present in population databases (gnomAD no frequency). This sequence change creates a premature translational stop signal (p.Lys1576*) in the CHD2 gene. It is expected to result in an absent or disrupted protein product. Loss-of-function variants in CHD2 are known to be pathogenic (PMID: 23708187, 24207121).

Literature cited by the submitters: PubMed 23708187 (cited by Labcorp Genetics (formerly Invitae), Labcorp); PubMed 24207121 (cited by Labcorp Genetics (formerly Invitae), Labcorp).

NM_001271.4(CHD2):c.4724dup (p.Gly1575_Lys1576insTer)

Gene: CHD2 (chromodomain helicase DNA binding protein 2; plus strand). Cytogenetic location: 15q26.1.
Variant type: Duplication.
Coding change: c.4724dup on transcript NM_001271.4 (MANE Select); coding-DNA position 4724, one base duplicated (G; older notation c.4724dupG).
Protein change: p.Gly1575_Lys1576insTer.
Molecular consequence: frameshift variant.
Genome position (GRCh38, 1-based): chr15:93,014,727, G duplicated; the last of 5 consecutive G bases (chr15:93,014,723-93,014,727); duplicating any one gives the same sequence. VCF-style (leftmost placement, unchanged base first): chr15-93014722-T-TG. GRCh37 (hg19) VCF-style: chr15-93557952-T-TG.
Other names: c.4724dupG (NM_001271.4).
Identifiers: ClinVar variation 2056725 (VCV002056725.5), dbSNP rs864309545, ClinGen allele CA2580090360.